The following is an entry in ClinVar:

NM_001347721.2(DYRK1A):c.91G>A (p.Ala31Thr)

Gene: DYRK1A (dual specificity tyrosine phosphorylation regulated kinase 1A; plus strand). Cytogenetic location: 21q22.13.
Variant type: single nucleotide variant.
Coding change: c.91G>A on transcript NM_001347721.2 (MANE Select); coding-DNA position 91, G replaced by A.
Protein change: p.Ala31Thr; replaces alanine 31 with threonine.
Molecular consequence: missense variant.
Genome position (GRCh38, 1-based): chr21:37,472,764, G>A. VCF-style: chr21-37472764-G-A. GRCh37 (hg19) VCF-style: chr21-38845066-G-A.
Other names: c.91G>A, p.Ala31Thr (NM_001347722.2, NM_001396.5, NM_101395.2 and 2 more transcripts); c.4G>A, p.Ala2Thr (NM_001347723.2); short protein forms A2T, A31T.
Identifiers: ClinVar variation 2815363 (VCV002815363.3), dbSNP rs765791729, ClinGen allele CA10023707.

ClinVar aggregate classification (germline): Uncertain significance (1 of 4 stars; one submission).

Conditions:
DYRK1A-related intellectual disability syndrome (MRD7). Also called: DYRK1A Syndrome; Intellectual developmental disorder, autosomal dominant 7. Identifiers: Orphanet 464306, MedGen C5568143, MONDO:0013578, OMIM 614104.

Allele frequency attached by ClinVar (database versions not stated): gnomAD exomes below 0.00001; ExAC 0.00001.
gnomAD v4.1: 1 of 1,613,052 alleles (0.000062%); highest among the groups gnomAD compares: South Asian, 0.0011%; no homozygotes.

Submission:

Labcorp Genetics (formerly Invitae), Labcorp
Classification: Uncertain significance for DYRK1A-related intellectual disability syndrome. Last evaluated: 2022-11-19. Review status: criteria provided, single submitter. Criteria: Invitae Variant Classification Sherloc (09022015). Collection method: clinical testing. Allele origin: germline.
Comment: In summary, the available evidence is currently insufficient to determine the role of this variant in disease. Therefore, it has been classified as a Variant of Uncertain Significance. This sequence change replaces alanine, which is neutral and non-polar, with threonine, which is neutral and polar, at codon 31 of the DYRK1A protein (p.Ala31Thr). This variant is present in population databases (rs765791729, gnomAD 0.003%). This variant has not been reported in the literature in individuals affected with DYRK1A-related conditions. Algorithms developed to predict the effect of missense changes on protein structure and function (SIFT, PolyPhen-2, Align-GVGD) all suggest that this variant is likely to be tolerated.